The following is an entry in ClinVar:

NM_022098.4(XPNPEP3):c.*2958G>A

Gene: XPNPEP3 (X-prolyl aminopeptidase 3; plus strand). Cytogenetic location: 22q13.2.
Variant type: single nucleotide variant.
Coding change: c.*2958G>A on transcript NM_022098.4 (MANE Select); 2958 bases downstream of the stop codon, G replaced by A.
Molecular consequence: 3 prime UTR variant.
Genome position (GRCh38, 1-based): chr22:40,929,393, G>A. VCF-style: chr22-40929393-G-A. GRCh37 (hg19) VCF-style: chr22-41325397-G-A.
Identifiers: ClinVar variation 341724 (VCV000341724.6), dbSNP rs9623284, ClinGen allele CA10654146.
Genomic context (GRCh38, chr22:40,929,393, plus strand): 5'-AGGCGCCTGCCACCACACCCGGCTATTTTTTTGTATTTTAAATAGAGACGAGGTTTCACT[G>A]TGTTGGCCAGGCTGGTCTCGAACTCCTGACCTCATGATCTGCCCGCCTCGGCCTCCCTAA-3'

ClinVar aggregate classification (germline): Benign. Review status: criteria provided, multiple submitters, no conflicts (2 of 4 stars). 2 submissions from 2 submitters: Benign (2). Last evaluated 2018-01-13.

Conditions:
Nephronophthisis-like nephropathy 1 (NPHPL1). Identifiers: Orphanet 655, MedGen C3150419, MONDO:0013163, OMIM 613159.

Allele frequency attached by ClinVar (database versions not stated): gnomAD 0.05320 and 0.05707; 1000 Genomes Project 0.05491; 1000 Genomes Project 30x 0.05793; TOPMed 0.05955.

Submissions (2):

Illumina Laboratory Services, Illumina
Classification: Benign for Nephronophthisis-like nephropathy 1. Last evaluated: 2018-01-13. Review status: criteria provided, single submitter. Criteria: ICSL Variant Classification Criteria 13 December 2019. Collection method: clinical testing. Allele origin: germline.
Comment: This variant was observed in the ICSL laboratory as part of a predisposition screen in an ostensibly healthy population. It had not been previously curated by ICSL or reported in the Human Gene Mutation Database (HGMD: prior to June 1st, 2018), and was therefore a candidate for classification through an automated scoring system. Utilizing variant allele frequency, disease prevalence and penetrance estimates, and inheritance mode, an automated score was calculated to assess if this variant is too frequent to cause the disease. Based on the score and internal cut-off values, a variant classified as benign is not then subjected to further curation. The score for this variant resulted in a classification of benign for this disease.

Breakthrough Genomics
Classification: Benign. Review status: criteria provided, single submitter. Criteria: ACMG Guidelines, 2015. Collection method: not provided. Allele origin: germline. Inheritance: Autosomal recessive inheritance. Affected: yes.